The following is an entry in ClinVar:

ClinVar aggregate classification (germline): Uncertain significance (1 of 4 stars; one submission).

Submission:

GeneDx
Classification: Uncertain significance. Last evaluated: 2022-12-12. Review status: criteria provided, single submitter. Criteria: GeneDx Variant Classification Process June 2021. Collection method: clinical testing. Allele origin: germline. Affected: yes.
Comment: Not observed at significant frequency in large population cohorts (gnomAD); In silico analysis supports that this missense variant does not alter protein structure/function; Has not been previously published as pathogenic or benign to our knowledge

NM_001297595.2(SIN3B):c.3089C>G (p.Thr1030Ser)

Gene: SIN3B (SIN3 transcription regulator family member B; plus strand). Cytogenetic location: 19p13.11.
Variant type: single nucleotide variant.
Coding change: c.3089C>G on transcript NM_001297595.2 (MANE Select); coding-DNA position 3089, C replaced by G.
Protein change: p.Thr1030Ser; replaces threonine 1030 with serine.
Molecular consequence: missense variant.
Genome position (GRCh38, 1-based): chr19:16,878,317, C>G. VCF-style: chr19-16878317-C-G. GRCh37 (hg19) VCF-style: chr19-16989128-C-G.
Other names: c.1859C>G, p.Thr620Ser (NM_001297597.2); c.3185C>G, p.Thr1062Ser (NM_015260.4); short protein forms T1030S, T1062S, T620S.
Identifiers: ClinVar variation 2504747 (VCV002504747.1), dbSNP rs2513085698, ClinGen allele CA404647437.